The following is an entry in ClinVar:

ClinVar aggregate classification (germline): Uncertain significance (1 of 4 stars; one submission).

Allele frequency attached by ClinVar (database versions not stated): ExAC 0.00001; ESP Exome Variant Server 0.00009.

Submission:

Labcorp Genetics (formerly Invitae), Labcorp
Classification: Uncertain significance. Last evaluated: 2022-09-24. Review status: criteria provided, single submitter. Criteria: Invitae Variant Classification Sherloc (09022015). Collection method: clinical testing. Allele origin: germline.
Comment: This sequence change replaces cysteine, which is neutral and slightly polar, with phenylalanine, which is neutral and non-polar, at codon 822 of the AMER1 protein (p.Cys822Phe). The frequency data for this variant in the population databases is considered unreliable, as metrics indicate poor data quality at this position in the gnomAD database. This variant has not been reported in the literature in individuals affected with AMER1-related conditions. Algorithms developed to predict the effect of missense changes on protein structure and function are either unavailable or do not agree on the potential impact of this missense change (SIFT: "Deleterious"; PolyPhen-2: "Probably Damaging"; Align-GVGD: "Class C0"). In summary, the available evidence is currently insufficient to determine the role of this variant in disease. Therefore, it has been classified as a Variant of Uncertain Significance.

NM_152424.4(AMER1):c.2465G>T (p.Cys822Phe)

Gene: AMER1 (APC membrane recruitment protein 1; minus strand). Cytogenetic location: Xq11.2.
Variant type: single nucleotide variant.
Coding change: c.2465G>T on transcript NM_152424.4 (MANE Select); coding-DNA position 2465, G replaced by T.
Protein change: p.Cys822Phe; replaces cysteine 822 with phenylalanine.
Molecular consequence: missense variant.
Genome position (GRCh38, 1-based): chrX:64,190,822, C>A on the plus strand (G>T on the coding strand, the complement: AMER1 is on the minus strand). VCF-style: chrX-64190822-C-A. GRCh37 (hg19) VCF-style: chrX-63410702-C-A.
Other names: short protein forms C822F.
Identifiers: ClinVar variation 2125292 (VCV002125292.4), dbSNP rs371470486, ClinGen allele CA10432194.
Genomic context (GRCh38, chrX:64,190,822, plus strand): 5'-TCAAAGGCTTCCAAGGAGGCTGCAAGATCTTCATCATTGTGGAACTCAGGATTCTCTTCA[C>A]ACTTGCCTTCCCCATCCCGTTCCACATCAGCGATGTCAAAGGTCACCATGGGAGGCAGCT-3'
Protein context (NP_689637.3, residues 812-832): ADVERDGEGK[Cys822Phe]EENPEFHNDE